The following is an entry in ClinVar:

NM_018136.5(ASPM):c.10118GTT[1] (p.Cys3374del)

Gene: ASPM (assembly factor for spindle microtubules; minus strand). Cytogenetic location: 1q31.3.
Variant type: Microsatellite.
Coding change: c.10118GTT[1] on transcript NM_018136.5 (MANE Select); one copy of the 3-base unit GTT starting at c.10118; the reference has two copies in a row; one copy, 3 bases deleted; also written c.10121_10123del.
Protein change: p.Cys3374del; deletes cysteine 3374.
Molecular consequence: inframe deletion.
Genome position (GRCh38, 1-based): chr1:197,088,294-197,088,296, AAC deleted on the plus strand (GTT on the coding strand, the reverse complement: ASPM is on the minus strand); deleting any 3 consecutive bases within chr1:197,088,294-197,088,301 gives the same sequence; the position shown is the placement nearest the transcript's 3' end. VCF-style (leftmost placement, unchanged base first): chr1-197088293-AAAC-A. GRCh37 (hg19) VCF-style: chr1-197057423-AAAC-A.
Other names: c.5363GTT[1], p.Cys1789del (NM_001206846.2); c.10121_10123del (NM_018136.5); short protein forms C1789del, C3374del.
Identifiers: ClinVar variation 993038 (VCV000993038.4), dbSNP rs1385075246, ClinGen allele CA528535060.
Genomic context (GRCh38, chr1:197,088,293, plus strand): 5'-AAAGGCAACTGACTAATACTTACAGAGGCTCTATTTGTTGTCTTCAGTAAAATAGCCAAC[AAAC>A]AACAAGTTTTTGTAAAAATGCTTCCGCCTTTGTCTGCAACTTTATTACCAGGCTTTTCTC-3'

ClinVar aggregate classification (germline): Uncertain significance. Review status: criteria provided, multiple submitters, no conflicts (2 of 4 stars). 3 submissions from 3 submitters: Uncertain significance (2). 1 of the submissions does not count toward it. Last evaluated 2020-05-04.

Conditions:
Microcephaly 5, primary, autosomal recessive (MCPH5). Also called: ASPM Primary Microcephaly. Identifiers: Orphanet 2512, MedGen C1837501, MONDO:0012106, OMIM 608716.

Submissions (3):

Blueprint Genetics
Classification: Uncertain significance. Last evaluated: 2020-05-04. Review status: criteria provided, single submitter. Criteria: ACMG Guidelines, 2015. Collection method: clinical testing. Allele origin: germline.

Juno Genomics, Hangzhou Juno Genomics, Inc
Classification: Uncertain significance for Microcephaly 5, primary, autosomal recessive. Review status: criteria provided, single submitter. Criteria: ACMG Guidelines, 2015. Collection method: clinical testing. Allele origin: germline.
Comment: Absent from controls (or at extremely low frequency if recessive) in Genome Aggregation Database.;Protein length changes due to in-frame deletions/insertions in a non-repeat region or stop-loss variants.

Biochemical Molecular Genetic Laboratory, King Abdulaziz Medical City
Classification: Uncertain significance for Microcephaly 5, primary, autosomal recessive. Last evaluated: 2020-11-12. Review status: no assertion criteria provided. Collection method: clinical testing. Allele origin: germline. Affected: yes. Not counted in ClinVar's aggregate classification.